The following is an entry in ClinVar:

NM_130384.3(ATRIP):c.660_668del (p.His222_Ser224del)

Genes: ATRIP (ATR interacting protein; plus strand), ATRIP-TREX1 (ATRIP-TREX1 readthrough; plus strand). Cytogenetic location: 3p21.31.
Variant type: Deletion.
Coding change: c.660_668del on transcript NM_130384.3 (MANE Select); coding-DNA positions 660 to 668, 9 bases deleted (TTCCCATGT; older notation c.660_668delTTCCCATGT).
Protein change: p.His222_Ser224del.
Molecular consequence: inframe deletion. On other transcripts: non-coding transcript variant (1).
Genome position (GRCh38, 1-based): chr3:48,454,407-48,454,415, TTCCCATGT deleted; deleting any 9 consecutive bases within chr3:48,454,404-48,454,415 gives the same sequence; the c. name uses the placement nearest the transcript's 3' end. VCF-style (leftmost placement, unchanged base first): chr3-48454403-CTGTTTCCCA-C. GRCh37 (hg19) VCF-style: chr3-48495803-CTGTTTCCCA-C.
Other names: c.279_287del, p.His95_Ser97del (NM_001271022.2); c.381_389del, p.His129_Ser131del (NM_001271023.2); c.660_668del, p.His222_Ser224del (NM_032166.4).
Identifiers: ClinVar variation 4867208 (VCV004867208.1).
Genomic context (GRCh38, chr3:48,454,403, plus strand): 5'-TGAATGAATTAAGGACAAAGCTCCAGACCAGTGAACGAGCAAATAAACTGGCTGCTCCCT[CTGTTTCCCA>C]TGTCAGGTAATGATGGTGCTGGAGGGATAGTTCAGTTTTGCATTATTTAGTAAAAAATCT-3'

ClinVar aggregate classification (germline): Uncertain significance (1 of 4 stars; one submission).

Submission:

Ambry Genetics
Classification: Uncertain significance. Last evaluated: 2026-04-09. Review status: criteria provided, single submitter. Criteria: Ambry Variant Classification Scheme 2023. Collection method: clinical testing. Allele origin: germline.
Comment: The c.660_668delTTCCCATGT variant (also known as p.H222_S224del) is located in coding exon 4 of the ATRIP gene. This variant results from an in-frame TTCCCATGT deletion at nucleotide positions 660 to 668. This results in the in-frame deletion of three residues at codons 222 to 224. This amino acid region is well conserved in available vertebrate species. The evidence for this gene-disease relationship is limited; therefore, the clinical significance of this variant is unclear.